The following is an entry in ClinVar:

NM_005228.5(EGFR):c.*9G>A

Gene: EGFR (epidermal growth factor receptor; plus strand). Cytogenetic location: 7p11.2.
Variant type: single nucleotide variant.
Coding change: c.*9G>A on transcript NM_005228.5 (MANE Select); 9 bases downstream of the stop codon, G replaced by A.
Molecular consequence: 3 prime UTR variant.
Genome position (GRCh38, 1-based): chr7:55,205,626, G>A. VCF-style: chr7-55205626-G-A. GRCh37 (hg19) VCF-style: chr7-55273319-G-A.
Other names: c.*9G>A (NM_001346899.2, NM_001346900.2, NM_001346941.2).
Identifiers: ClinVar variation 3030861 (VCV003030861.2), dbSNP rs200914796, ClinGen allele CA158940757.

ClinVar aggregate classification (germline): Likely benign (0 of 4 stars; one submission).

Conditions:
EGFR-related disorder. Also called: EGFR-related condition.

Allele frequency attached by ClinVar (database versions not stated): gnomAD exomes 0.00001; gnomAD 0.00002; TOPMed 0.00002.
gnomAD v4.1: 12 of 1,614,012 alleles (0.00074%); highest among the groups gnomAD compares: South Asian, 0.0011%; no homozygotes.

Submission:

PreventionGenetics, part of Exact Sciences
Classification: Likely benign for EGFR-related condition. Last evaluated: 2021-04-21. Review status: no assertion criteria provided. Collection method: clinical testing. Allele origin: germline.
Comment: This variant is classified as likely benign based on ACMG/AMP sequence variant interpretation guidelines (Richards et al. 2015 PMID: 25741868, with internal and published modifications).